The following is an entry in ClinVar:

NM_017849.4(TMEM127):c.440C>T (p.Ser147Phe)

Gene: TMEM127 (transmembrane protein 127; minus strand). Cytogenetic location: 2q11.2.
Variant type: single nucleotide variant.
Coding change: c.440C>T on transcript NM_017849.4 (MANE Select); coding-DNA position 440, C replaced by T.
Protein change: p.Ser147Phe; replaces serine 147 with phenylalanine.
Molecular consequence: missense variant.
Genome position (GRCh38, 1-based): chr2:96,254,085, G>A on the plus strand (C>T on the coding strand, the complement: TMEM127 is on the minus strand). VCF-style: chr2-96254085-G-A. GRCh37 (hg19) VCF-style: chr2-96919823-G-A.
Other names: c.440C>T, p.Ser147Phe (NM_001193304.3); c.188C>T, p.Ser63Phe (NM_001407282.1, NM_001407283.1); short protein forms S63F, S147F.
Identifiers: ClinVar variation 3722692 (VCV003722692.2).

ClinVar aggregate classification (germline): Uncertain significance (1 of 4 stars; one submission).

Conditions:
Hereditary pheochromocytoma and paraganglioma. Also called: Hereditary paragangliomas and pheochromocytomas; Hereditary Paraganglioma-Pheochromocytoma Syndromes; Hereditary pheochromocytoma-paraganglioma. Identifiers: Orphanet 29072, MedGen C4274332, MONDO:0017366.

Submission:

Labcorp Genetics (formerly Invitae), Labcorp
Classification: Uncertain significance for Hereditary pheochromocytoma and paraganglioma. Last evaluated: 2024-10-10. Review status: criteria provided, single submitter. Criteria: Invitae Variant Classification Sherloc (09022015). Collection method: clinical testing. Allele origin: germline.
Comment: This sequence change replaces serine, which is neutral and polar, with phenylalanine, which is neutral and non-polar, at codon 147 of the TMEM127 protein (p.Ser147Phe). This variant is not present in population databases (gnomAD no frequency). This variant has not been reported in the literature in individuals affected with TMEM127-related conditions. An algorithm developed to predict the effect of missense changes on protein structure and function (PolyPhen-2) suggests that this variant is likely to be tolerated. In summary, the available evidence is currently insufficient to determine the role of this variant in disease. Therefore, it has been classified as a Variant of Uncertain Significance.